The following is an entry in ClinVar:

ClinVar aggregate classification (germline): Uncertain significance (1 of 4 stars; one submission).

Conditions:
Neuronal ceroid lipofuscinosis. Also called: Neuronal Ceroid Lipofuscinoses. Identifiers: Orphanet 216, Orphanet 79263, MedGen C0027877, MONDO:0016295. Disease mechanism: loss of function.

Allele frequency attached by ClinVar (database versions not stated): TOPMed below 0.00001.

Submission:

Labcorp Genetics (formerly Invitae), Labcorp
Classification: Uncertain significance for Neuronal ceroid lipofuscinosis. Last evaluated: 2022-08-10. Review status: criteria provided, single submitter. Criteria: Invitae Variant Classification Sherloc (09022015). Collection method: clinical testing. Allele origin: germline.
Comment: This sequence change replaces alanine, which is neutral and non-polar, with valine, which is neutral and non-polar, at codon 35 of the CLN5 protein (p.Ala35Val). This variant is present in population databases (no rsID available, gnomAD 0.001%). This variant has not been reported in the literature in individuals affected with CLN5-related conditions. Algorithms developed to predict the effect of missense changes on protein structure and function are either unavailable or do not agree on the potential impact of this missense change (SIFT: "Deleterious"; PolyPhen-2: "Possibly Damaging"; Align-GVGD: "Class C0"). Algorithms developed to predict the effect of sequence changes on RNA splicing suggest that this variant may create or strengthen a splice site. In summary, the available evidence is currently insufficient to determine the role of this variant in disease. Therefore, it has been classified as a Variant of Uncertain Significance.

NC_000013.11:g.76992055C>T

Gene: CLN5 (CLN5 lysosomal BMP synthase; plus strand). Cytogenetic location: 13q22.3.
Variant type: single nucleotide variant.
Molecular consequence: missense variant (on NM_006493.2).
Genome position: GRCh38 VCF-style: chr13-76992055-C-T. GRCh37 (hg19) VCF-style: chr13-77566190-C-T.
Other names: c.104C>T, p.Ala35Val (NM_006493.2); short protein forms A35V.
Identifiers: ClinVar variation 2194019 (VCV002194019.1), dbSNP rs1302941786, ClinGen allele CA388306007.